The following is an entry in ClinVar:

ClinVar aggregate classification (germline): Uncertain significance (1 of 4 stars; one submission).

gnomAD v4.1: 2 of 1,613,960 alleles (0.00012%); highest among the groups gnomAD compares: Non-Finnish European, 0.00017%; no homozygotes.

Submission:

CeGaT Center for Human Genetics Tuebingen
Classification: Uncertain significance. Last evaluated: 2022-07-01. Review status: criteria provided, single submitter. Criteria: CeGaT Center For Human Genetics Tuebingen Variant Classification Criteria Version 2. Collection method: clinical testing. Allele origin: germline. Affected: yes. Observed: 1 variant allele.
Comment: NFASC: PM2, PM3:Supporting, BP4

NM_001005388.3(NFASC):c.3290-8C>T

Gene: NFASC (neurofascin; plus strand). Cytogenetic location: 1q32.1.
Variant type: single nucleotide variant.
Coding change: c.3290-8C>T on transcript NM_001005388.3 (MANE Select); 8 bases into the intron before coding-DNA position 3290, C replaced by T.
Molecular consequence: intron variant.
Genome position (GRCh38, 1-based): chr1:205,009,549, C>T. VCF-style: chr1-205009549-C-T. GRCh37 (hg19) VCF-style: chr1-204978677-C-T.
Other names: c.3611-8C>T (NM_001378329.1); c.3092-8C>T (NM_001160332.2); c.3077-8C>T (NM_015090.4); c.2756-8C>T (NM_001365986.1); c.3137-8C>T (NM_001160331.2).
Identifiers: ClinVar variation 1701123 (VCV001701123.31), dbSNP rs2151012229, ClinGen allele CA2580061930.
Genomic context (GRCh38, chr1:205,009,549, plus strand): 5'-TCCATCTCCCTCCTCACCATCTCCCCCATGAAATCATTCACGGGTTTGCTTCCGGCCCTC[C>T]CCGCCAGCTTACACCAACAACCAAGCGGACATCGCCACCCAGGGCTGGTTCATTGGGCTT-3'